The following is an entry in ClinVar:

NM_005431.2(XRCC2):c.329A>G (p.Tyr110Cys)

Gene: XRCC2 (X-ray repair cross complementing 2; minus strand). Cytogenetic location: 7q36.1.
Variant type: single nucleotide variant.
Coding change: c.329A>G on transcript NM_005431.2 (MANE Select); coding-DNA position 329, A replaced by G.
Protein change: p.Tyr110Cys; replaces tyrosine 110 with cysteine.
Molecular consequence: missense variant.
Genome position (GRCh38, 1-based): chr7:152,649,156, T>C on the plus strand (A>G on the coding strand, the complement: XRCC2 is on the minus strand). VCF-style: chr7-152649156-T-C. GRCh37 (hg19) VCF-style: chr7-152346241-T-C.
Other names: short protein forms Y110C.
Identifiers: ClinVar variation 947360 (VCV000947360.10), dbSNP rs2098027432, ClinGen allele CA370198937.

ClinVar aggregate classification (germline): Uncertain significance. Review status: criteria provided, multiple submitters, no conflicts (2 of 4 stars). 2 submissions from 2 submitters: Uncertain significance (2). Last evaluated 2024-06-23.

Conditions:
Hereditary cancer-predisposing syndrome. Also called: Hereditary neoplastic syndrome; Neoplastic Syndromes, Hereditary; Tumor predisposition; Hereditary Cancer Syndrome. Identifiers: Orphanet 140162, MedGen C0027672, MeSH D009386, MONDO:0015356.

Allele frequency attached by ClinVar (database versions not stated): gnomAD exomes 0.00001.
gnomAD v4.1: 4 of 1,613,688 alleles (0.00025%); highest among the groups gnomAD compares: Non-Finnish European, 0.00017%; no homozygotes.

Submissions (2):

Ambry Genetics
Classification: Uncertain significance for Hereditary cancer-predisposing syndrome. Last evaluated: 2024-06-23. Review status: criteria provided, single submitter. Criteria: Ambry Variant Classification Scheme 2023. Collection method: clinical testing. Allele origin: germline.
Comment: The p.Y110C variant (also known as c.329A>G), located in coding exon 3 of the XRCC2 gene, results from an A to G substitution at nucleotide position 329. The tyrosine at codon 110 is replaced by cysteine, an amino acid with highly dissimilar properties. This amino acid position is conserved. In addition, this alteration is predicted to be tolerated by in silico analysis. Based on the available evidence, the clinical significance of this variant remains unclear.

Labcorp Genetics (formerly Invitae), Labcorp
Classification: Uncertain significance. Last evaluated: 2021-06-05. Review status: criteria provided, single submitter. Criteria: Invitae Variant Classification Sherloc (09022015). Collection method: clinical testing. Allele origin: germline.
Comment: This sequence change replaces tyrosine with cysteine at codon 110 of the XRCC2 protein (p.Tyr110Cys). The tyrosine residue is weakly conserved and there is a large physicochemical difference between tyrosine and cysteine. This variant is not present in population databases (ExAC no frequency). This variant has not been reported in the literature in individuals with XRCC2-related disease. Algorithms developed to predict the effect of missense changes on protein structure and function output the following: SIFT: "Tolerated"; PolyPhen-2: "Benign"; Align-GVGD: "Class C15". The cysteine amino acid residue is found in multiple mammalian species, suggesting that this missense change does not adversely affect protein function. These predictions have not been confirmed by published functional studies and their clinical significance is uncertain. In summary, the available evidence is currently insufficient to determine the role of this variant in disease. Therefore, it has been classified as a Variant of Uncertain Significance.